The following is an entry in ClinVar:

NM_001370259.2(MEN1):c.654+18C>T

Gene: MEN1 (menin 1; minus strand). Cytogenetic location: 11q13.1.
Variant type: single nucleotide variant.
Coding change: c.654+18C>T on transcript NM_001370259.2 (MANE Select); 18 bases into the intron after coding-DNA position 654, C replaced by T.
Molecular consequence: intron variant.
Genome position (GRCh38, 1-based): chr11:64,807,873, G>A on the plus strand (C>T on the coding strand, the complement: MEN1 is on the minus strand). VCF-style: chr11-64807873-G-A. GRCh37 (hg19) VCF-style: chr11-64575345-G-A.
Other names: c.669+18C>T (NM_130804.3, NM_130803.3, NM_000244.4 and 3 more transcripts); c.654+18C>T (NM_130799.3, NM_001370260.2, NM_001370251.2 and 1 more transcripts); c.549+123C>T (NM_001370263.2, NM_001370262.2).
Identifiers: ClinVar variation 36535 (VCV000036535.11), dbSNP rs180737290, ClinGen allele CA009555.

ClinVar aggregate classification (germline): Benign/Likely benign. Review status: criteria provided, multiple submitters, no conflicts (2 of 4 stars). 5 submissions from 5 submitters: Benign (3); Likely benign (2). Last evaluated 2026-02-03.

Conditions:
Multiple endocrine neoplasia, type 1 (MEN1). Also called: MEN I; WERMER SYNDROME; Endocrine adenomatosis multiple; MEN 1; MEA I. Identifiers: Orphanet 652, MedGen C0025267, MeSH D018761, MONDO:0007540, OMIM 131100.

Allele frequency attached by ClinVar (database versions not stated): TOPMed 0.00027; 1000 Genomes Project 30x 0.00141; 1000 Genomes Project 0.00180.

Submissions (5):

Labcorp Genetics (formerly Invitae), Labcorp
Classification: Benign for Multiple endocrine neoplasia, type 1. Last evaluated: 2026-02-03. Review status: criteria provided, single submitter. Criteria: Invitae Variant Classification Sherloc (09022015). Collection method: clinical testing. Allele origin: germline.

Women's Health and Genetics/Laboratory Corporation of America, LabCorp
Classification: Benign. Last evaluated: 2025-01-09. Review status: criteria provided, single submitter. Criteria: LabCorp Variant Classification Summary - May 2015. Collection method: clinical testing. Allele origin: germline.
Comment: Variant summary: MEN1 c.654+18C>T alters a non-conserved nucleotide located at a position not widely known to affect splicing. Consensus agreement among computation tools predict no significant impact on normal splicing (. However, these predictions have yet to be confirmed by functional studies. The variant allele was found at a frequency of 0.00036 in 250208 control chromosomes, predominantly at a frequency of 0.0047 within the East Asian subpopulation in the gnomAD database. The observed variant frequency within East Asian control individuals in the gnomAD database is approximately 226 - fold of the estimated maximal expected allele frequency for a pathogenic variant in MEN1 causing Multiple Endocrine Neoplasia Type 1 phenotype (2.1e-05). To our knowledge, no occurrence of c.654+18C>T in individuals affected with Multiple Endocrine Neoplasia Type 1 and no experimental evidence demonstrating its impact on protein function have been reported. ClinVar contains an entry for this variant (Variation ID: 36535). Based on the evidence outlined above, the variant was classified as benign.

Blueprint Genetics
Classification: Likely benign. Last evaluated: 2024-10-28. Review status: criteria provided, single submitter. Criteria: ACMG Guidelines, 2015. Collection method: clinical testing. Allele origin: germline.

GeneDx
Classification: Likely benign. Last evaluated: 2017-12-15. Review status: criteria provided, single submitter. Criteria: GeneDx Variant Classification (06012015). Collection method: clinical testing. Allele origin: germline. Affected: yes.
Comment: This variant is considered likely benign or benign based on one or more of the following criteria: it is a conservative change, it occurs at a poorly conserved position in the protein, it is predicted to be benign by multiple in silico algorithms, and/or has population frequency not consistent with disease.

PreventionGenetics, part of Exact Sciences
Classification: Benign. Last evaluated: 2017-12-06. Review status: criteria provided, single submitter. Criteria: ACMG Guidelines, 2015. Collection method: clinical testing. Allele origin: germline.

Literature cited by the submitters: PubMed 20367983 (cited by Women's Health and Genetics/Laboratory Corporation of America, LabCorp).